The following is an entry in ClinVar:

ClinVar aggregate classification (germline): Uncertain significance (1 of 4 stars; one submission).

Conditions:
Cardiovascular phenotype. Identifiers: MedGen CN230736.

Submission:

Ambry Genetics
Classification: Uncertain significance for Cardiovascular phenotype. Last evaluated: 2024-09-04. Review status: criteria provided, single submitter. Criteria: Ambry Variant Classification Scheme 2023. Collection method: clinical testing. Allele origin: germline.
Comment: The p.T425S variant (also known as c.1273A>T), located in coding exon 1 of the ZNF469 gene, results from an A to T substitution at nucleotide position 1273. The threonine at codon 425 is replaced by serine, an amino acid with similar properties. This amino acid position is conserved. In addition, this alteration is predicted to be tolerated by in silico analysis. Based on the available evidence, the clinical significance of this variant remains unclear.

NM_001367624.2(ZNF469):c.1273A>T (p.Thr425Ser)

Gene: ZNF469 (zinc finger protein 469; plus strand). Cytogenetic location: 16q24.2.
Variant type: single nucleotide variant.
Coding change: c.1273A>T on transcript NM_001367624.2 (MANE Select); coding-DNA position 1273, A replaced by T.
Protein change: p.Thr425Ser; replaces threonine 425 with serine.
Molecular consequence: missense variant.
Genome position (GRCh38, 1-based): chr16:88,428,743, A>T. VCF-style: chr16-88428743-A-T. GRCh37 (hg19) VCF-style: chr16-88495151-A-T.
Other names: NM_001127464.1:c.1273A>T; short protein forms T425S.
Identifiers: ClinVar variation 3476202 (VCV003476202.1).